The following is an entry in ClinVar:

NM_001365088.1(SLC12A6):c.*3525C>T

Gene: SLC12A6 (solute carrier family 12 member 6; minus strand). Cytogenetic location: 15q14.
Variant type: single nucleotide variant.
Coding change: c.*3525C>T on transcript NM_001365088.1 (MANE Select); 3525 bases downstream of the stop codon, C replaced by T.
Molecular consequence: 3 prime UTR variant.
Genome position (GRCh38, 1-based): chr15:34,230,356, G>A on the plus strand (C>T on the coding strand, the complement: SLC12A6 is on the minus strand). VCF-style: chr15-34230356-G-A. GRCh37 (hg19) VCF-style: chr15-34522557-G-A.
Other names: c.*3525C>T (NM_001042494.2, NM_001042495.2, NM_001042496.2 and 3 more transcripts).
Identifiers: ClinVar variation 315547 (VCV000315547.5), dbSNP rs1133154, ClinGen allele CA10635771.

ClinVar aggregate classification (germline): Benign (1 of 4 stars; one submission).

Conditions:
Agenesis of the corpus callosum with peripheral neuropathy (ACCPN). Also called: CHARLEVOIX DISEASE; POLYNEUROPATHY, SENSORIMOTOR, WITH OR WITHOUT AGENESIS OF THE CORPUS CALLOSUM; HMSN/ACC; Hereditary Motor and Sensory Neuropathy with Agenesis of the Corpus Callosum. Identifiers: Orphanet 1496, MedGen C0795950, MONDO:0000902, OMIM 218000. Disease mechanism: loss of function.

Allele frequency attached by ClinVar (database versions not stated): gnomAD exomes 0.09973; gnomAD 0.11134 and 0.11603; TOPMed 0.12201; 1000 Genomes Project 30x 0.17520; 1000 Genomes Project 0.17692.

Submission:

Illumina Laboratory Services, Illumina
Classification: Benign for Agenesis of the corpus callosum with peripheral neuropathy. Last evaluated: 2018-01-12. Review status: criteria provided, single submitter. Criteria: ICSL Variant Classification Criteria 13 December 2019. Collection method: clinical testing. Allele origin: germline.
Comment: This variant was observed in the ICSL laboratory as part of a predisposition screen in an ostensibly healthy population. It had not been previously curated by ICSL or reported in the Human Gene Mutation Database (HGMD: prior to June 1st, 2018), and was therefore a candidate for classification through an automated scoring system. Utilizing variant allele frequency, disease prevalence and penetrance estimates, and inheritance mode, an automated score was calculated to assess if this variant is too frequent to cause the disease. Based on the score and internal cut-off values, a variant classified as benign is not then subjected to further curation. The score for this variant resulted in a classification of benign for this disease.